The following is an entry in ClinVar:

NM_015164.4(PLEKHM2):c.2626G>T (p.Val876Phe)

Gene: PLEKHM2 (pleckstrin homology and RUN domain containing M2; plus strand). Cytogenetic location: 1p36.21.
Variant type: single nucleotide variant.
Coding change: c.2626G>T on transcript NM_015164.4 (MANE Select); coding-DNA position 2626, G replaced by T.
Protein change: p.Val876Phe; replaces valine 876 with phenylalanine.
Molecular consequence: missense variant.
Genome position (GRCh38, 1-based): chr1:15,732,350, G>T. VCF-style: chr1-15732350-G-T. GRCh37 (hg19) VCF-style: chr1-16058845-G-T.
Other names: c.2626G>T (NM_015164.2); short protein forms V876F.
Identifiers: ClinVar variation 1358731 (VCV001358731.7), dbSNP rs1464968857, ClinGen allele CA338574268.

ClinVar aggregate classification (germline): Uncertain significance. Review status: criteria provided, multiple submitters, no conflicts (2 of 4 stars). 2 submissions from 2 submitters: Uncertain significance (2). Last evaluated 2025-08-23.

Allele frequency attached by ClinVar (database versions not stated): gnomAD 0.00001; gnomAD exomes 0.00001; TOPMed 0.00001.
gnomAD v4.1: 22 of 1,551,084 alleles (0.0014%); highest among the groups gnomAD compares: Non-Finnish European, 0.0019%; no homozygotes.

Submissions (2):

Ambry Genetics
Classification: Uncertain significance. Last evaluated: 2025-08-23. Review status: criteria provided, single submitter. Criteria: Ambry Variant Classification Scheme 2023. Collection method: clinical testing. Allele origin: germline.

Labcorp Genetics (formerly Invitae), Labcorp
Classification: Uncertain significance. Last evaluated: 2023-09-08. Review status: criteria provided, single submitter. Criteria: Invitae Variant Classification Sherloc (09022015). Collection method: clinical testing. Allele origin: germline.
Comment: An algorithm developed to predict the effect of missense changes on protein structure and function (PolyPhen-2) suggests that this variant is likely to be disruptive. In summary, the available evidence is currently insufficient to determine the role of this variant in disease. Therefore, it has been classified as a Variant of Uncertain Significance. Algorithms developed to predict the effect of sequence changes on RNA splicing suggest that this variant may create or strengthen a splice site. ClinVar contains an entry for this variant (Variation ID: 1358731). This variant has not been reported in the literature in individuals affected with PLEKHM2-related conditions. This variant is not present in population databases (gnomAD no frequency). This sequence change replaces valine, which is neutral and non-polar, with phenylalanine, which is neutral and non-polar, at codon 876 of the PLEKHM2 protein (p.Val876Phe).